The following is an entry in ClinVar:

NM_007294.4(BRCA1):c.5074+1388A>G

Gene: BRCA1 (BRCA1 DNA repair associated; minus strand). Cytogenetic location: 17q21.31.
Variant type: single nucleotide variant.
Coding change: c.5074+1388A>G on transcript NM_007294.4 (MANE Select); 1388 bases into the intron after coding-DNA position 5074, A replaced by G.
Molecular consequence: intron variant.
Genome position (GRCh38, 1-based): chr17:43,066,220, T>C on the plus strand (A>G on the coding strand, the complement: BRCA1 is on the minus strand). VCF-style: chr17-43066220-T-C. GRCh37 (hg19) VCF-style: chr17-41218237-T-C.
Other names: c.1636+1388A>G (NM_001408446.1, NM_001408448.1, NM_001408445.1 and 2 more transcripts); c.1639+1388A>G (NM_001408435.1, NM_001408444.1, NM_001408438.1 and 10 more transcripts); c.4942+1388A>G (NM_001407691.1, NM_001407690.1); c.4945+1388A>G (NM_001407685.1, NM_001407688.1, NM_001407682.1 and 6 more transcripts); c.4948+1388A>G (NM_001407940.1, NM_001407671.1, NM_001407676.1 and 11 more transcripts); c.5014+1388A>G (NM_001407649.1); c.1759+1388A>G (NM_001408401.1, NM_001408396.1, NM_001408404.1 and 8 more transcripts); c.1762+1388A>G (NM_001407985.1, NM_001408472.1, NM_001407990.1 and 12 more transcripts); and 71 more.
Identifiers: ClinVar variation 264858 (VCV000264858.2), dbSNP rs145654477, ClinGen allele CA10588202.

ClinVar aggregate classification (germline): Benign (3 of 4 stars; one submission).

Conditions:
Breast-ovarian cancer, familial, susceptibility to, 1 (BROVCA1). Also called: BRCA1 Hereditary Breast and Ovarian Cancer; OVARIAN CANCER, SUSCEPTIBILITY TO. Identifiers: Orphanet 145, MedGen C2676676, MONDO:0011450, OMIM 604370. Disease mechanism: loss of function.

Allele frequency attached by ClinVar (database versions not stated): gnomAD 0.00251 and 0.00261; 1000 Genomes Project 0.00499; TOPMed 0.00564; 1000 Genomes Project 30x 0.00593.
gnomAD v4.1: 393 of 152,302 alleles (0.26%); highest among the groups gnomAD compares: Admixed American, 2.5%; 10 homozygotes.

Submission:

Evidence-based Network for the Interpretation of Germline Mutant Alleles (ENIGMA)
Classification: Benign for Breast-ovarian cancer, familial, susceptibility to, 1. Last evaluated: 2016-09-28. Review status: reviewed by expert panel. Criteria: ENIGMA BRCA1/2 Classification Criteria (2015). Collection method: curation. Allele origin: germline.
Comment: Class 1 not pathogenic based on frequency >1% in an outbred sampleset. Frequency 0.036 (Admixed American/Latino), derived from 1000 genomes (2013-05-02).